The following is an entry in ClinVar:

ClinVar aggregate classification (germline): Uncertain significance. Review status: criteria provided, multiple submitters, no conflicts (2 of 4 stars). 2 submissions from 2 submitters: Uncertain significance (2). Last evaluated 2024-11-22.

Conditions:
Inborn genetic diseases. Identifiers: MedGen C0950123, MeSH D030342.
Mosaic variegated aneuploidy syndrome 2 (MVA2). Identifiers: Orphanet 1052, MedGen C3279843, MONDO:0013582, OMIM 614114.

Submissions (2):

Ambry Genetics
Classification: Uncertain significance for Inborn genetic diseases. Last evaluated: 2024-11-22. Review status: criteria provided, single submitter. Criteria: Ambry Variant Classification Scheme 2023. Collection method: clinical testing. Allele origin: germline.
Comment: The p.V303M variant (also known as c.907G>A), located in coding exon 9 of the CEP57 gene, results from a G to A substitution at nucleotide position 907. The valine at codon 303 is replaced by methionine, an amino acid with highly similar properties. This amino acid position is conserved. In addition, the in silico prediction for this alteration is inconclusive. Based on the available evidence, the clinical significance of this variant remains unclear.

Labcorp Genetics (formerly Invitae), Labcorp
Classification: Uncertain significance for Mosaic variegated aneuploidy syndrome 2. Last evaluated: 2024-03-26. Review status: criteria provided, single submitter. Criteria: Invitae Variant Classification Sherloc (09022015). Collection method: clinical testing. Allele origin: germline.
Comment: This sequence change replaces valine, which is neutral and non-polar, with methionine, which is neutral and non-polar, at codon 303 of the CEP57 protein (p.Val303Met). This variant is present in population databases (rs141687902, gnomAD 0.007%). This variant has not been reported in the literature in individuals affected with CEP57-related conditions. Advanced modeling of protein sequence and biophysical properties (such as structural, functional, and spatial information, amino acid conservation, physicochemical variation, residue mobility, and thermodynamic stability) performed at Invitae indicates that this missense variant is expected to disrupt CEP57 protein function with a positive predictive value of 80%. In summary, the available evidence is currently insufficient to determine the role of this variant in disease. Therefore, it has been classified as a Variant of Uncertain Significance.

NM_014679.5(CEP57):c.907G>A (p.Val303Met)

Gene: CEP57 (centrosomal protein 57; plus strand). Cytogenetic location: 11q21.
Variant type: single nucleotide variant.
Coding change: c.907G>A on transcript NM_014679.5 (MANE Select); coding-DNA position 907, G replaced by A.
Protein change: p.Val303Met; replaces valine 303 with methionine.
Molecular consequence: missense variant.
Genome position (GRCh38, 1-based): chr11:95,827,807, G>A. VCF-style: chr11-95827807-G-A. GRCh37 (hg19) VCF-style: chr11-95560971-G-A.
Other names: c.880G>A, p.Val294Met (NM_001243776.2); c.829G>A, p.Val277Met (NM_001243777.2); c.826G>A, p.Val276Met (NM_001363604.2); short protein forms V276M, V277M, V303M, V294M.
Identifiers: ClinVar variation 3490824 (VCV003490824.3).